The following is an entry in ClinVar:

ClinVar aggregate classification (germline): Pathogenic. Review status: criteria provided, multiple submitters, no conflicts (2 of 4 stars). 3 submissions from 3 submitters: Pathogenic (2). 1 of the submissions does not count toward it. Last evaluated 2025-03-22.

Conditions:
Familial cancer of breast. Also called: BREAST CANCER, FAMILIAL; Hereditary breast cancer; hereditary breast carcinoma. Identifiers: Orphanet 227535, MedGen C0346153, MONDO:0016419, OMIM 114480. Disease mechanism: loss of function.

Submissions (3):

Labcorp Genetics (formerly Invitae), Labcorp
Classification: Pathogenic for Familial cancer of breast. Last evaluated: 2025-03-22. Review status: criteria provided, single submitter. Criteria: Invitae Variant Classification Sherloc (09022015). Collection method: clinical testing. Allele origin: germline.
Comment: This sequence change creates a premature translational stop signal (p.Glu180*) in the PALB2 gene. It is expected to result in an absent or disrupted protein product. Loss-of-function variants in PALB2 are known to be pathogenic (PMID: 17200668, 17200671, 17200672, 24136930, 25099575). This variant is not present in population databases (gnomAD no frequency). This variant has not been reported in the literature in individuals affected with PALB2-related conditions. ClinVar contains an entry for this variant (Variation ID: 830107). For these reasons, this variant has been classified as Pathogenic.

GeneDx
Classification: Pathogenic. Last evaluated: 2023-03-14. Review status: criteria provided, single submitter. Criteria: GeneDx Variant Classification Process June 2021. Collection method: clinical testing. Allele origin: germline. Affected: yes.
Comment: Nonsense variant predicted to result in protein truncation or nonsense mediated decay in a gene for which loss of function is a known mechanism of disease; Not observed at significant frequency in large population cohorts (gnomAD); This variant is associated with the following publications: (PMID: 30287823)

Leiden Open Variation Database
Classification: Pathogenic. Last evaluated: 2018-10-10. Review status: no assertion criteria provided. Collection method: curation. Allele origin: germline. Affected: yes. Not counted in ClinVar's aggregate classification.
Comment: Curators: Marc Tischkowitz, Arleen D. Auerbach. Submitter to LOVD: Yukihide Momozawa.

Literature cited by the submitters: PubMed 17200668 (cited by Labcorp Genetics (formerly Invitae), Labcorp); PubMed 17200671 (cited by Labcorp Genetics (formerly Invitae), Labcorp); PubMed 17200672 (cited by Labcorp Genetics (formerly Invitae), Labcorp); PubMed 24136930 (cited by Labcorp Genetics (formerly Invitae), Labcorp); PubMed 25099575 (cited by Labcorp Genetics (formerly Invitae), Labcorp); PubMed 30287823 (cited by Leiden Open Variation Database).

NM_024675.4(PALB2):c.538G>T (p.Glu180Ter)

Gene: PALB2 (partner and localizer of BRCA2; minus strand). Cytogenetic location: 16p12.2.
Variant type: single nucleotide variant.
Coding change: c.538G>T on transcript NM_024675.4 (MANE Select); coding-DNA position 538, G replaced by T.
Protein change: p.Glu180Ter; replaces glutamic acid 180 with a stop codon.
Molecular consequence: nonsense.
Genome position (GRCh38, 1-based): chr16:23,636,008, C>A on the plus strand (G>T on the coding strand, the complement: PALB2 is on the minus strand). VCF-style: chr16-23636008-C-A. GRCh37 (hg19) VCF-style: chr16-23647329-C-A.
Other names: short protein forms E180*.
Identifiers: ClinVar variation 830107 (VCV000830107.5), dbSNP rs750782778, ClinGen allele CA395136914.